The following is an entry in ClinVar:

NM_022455.5(NSD1):c.7024T>C (p.Ser2342Pro)

Gene: NSD1 (nuclear receptor binding SET domain protein 1; plus strand). Cytogenetic location: 5q35.3.
Variant type: single nucleotide variant.
Coding change: c.7024T>C on transcript NM_022455.5 (MANE Select); coding-DNA position 7024, T replaced by C.
Protein change: p.Ser2342Pro; replaces serine 2342 with proline.
Molecular consequence: missense variant.
Genome position (GRCh38, 1-based): chr5:177,294,392, T>C. VCF-style: chr5-177294392-T-C. GRCh37 (hg19) VCF-style: chr5-176721393-T-C.
Other names: c.6151T>C, p.Ser2051Pro (NM_001365684.2, NM_001409308.1, NM_172349.5); c.7024T>C, p.Ser2342Pro (NM_001409301.1, NM_001409302.1, NM_001409303.1); c.6604T>C, p.Ser2202Pro (NM_001409304.1); c.6271T>C, p.Ser2091Pro (NM_001409305.1); c.6262T>C, p.Ser2088Pro (NM_001409306.1, NM_001409307.1); c.5902T>C, p.Ser1968Pro (NM_001409309.1); short protein forms S2073P, S2342P, S1968P, S2051P, S2091P, S2088P, S2202P.
Identifiers: ClinVar variation 800650 (VCV000800650.4), dbSNP rs752927515, ClinGen allele CA3578072.
Genomic context (GRCh38, chr5:177,294,392, plus strand): 5'-GTGGCAGGACCAAGACCCCAGCTAAGCGACAAACCCTCTCCAGTGACCAGCCCAAGCTCC[T>C]CACCCTCAGTCAGGTCCCAACCACTGGAAAGACCTCTGGGGACGGCTGACCCAAGGCTGG-3'
Protein context (NP_071900.2, residues 2332-2352): KPSPVTSPSS[Ser2342Pro]PSVRSQPLER

ClinVar aggregate classification (germline): Likely benign (1 of 4 stars; one submission).

Conditions:
Sotos syndrome (SOTOS). Also called: Distinctive facial appearance, overgrowth in childhood, and learning disabilities or delayed development; CEREBRAL GIGANTISM; CHROMOSOME 5q35 DELETION SYNDROME; Sotos' syndrome; SOTOS SYNDROME 1. Identifiers: Orphanet 821, MedGen C0175695, MONDO:0019349, OMIM 117550.

Allele frequency attached by ClinVar (database versions not stated): ExAC 0.00001; gnomAD exomes below 0.00001.
gnomAD v4.1: 4 of 1,614,156 alleles (0.00025%); highest among the groups gnomAD compares: Non-Finnish European, 0.00034%; no homozygotes.

Submission:

Institute of Human Genetics, University of Goettingen
Classification: Likely benign for Sotos syndrome. Last evaluated: 2019-12-09. Review status: criteria provided, single submitter. Criteria: ACMG Guidelines, 2015. Collection method: clinical testing. Allele origin: paternal. Inheritance: Autosomal dominant inheritance. Affected: yes. Observed: 1 variant allele, 1 heterozygote.
Comment: The c.7024T>C NSD1-variant (p.Ser2342Pro) is found at a relatively low frequency (gnomAD & ExAC population frequency <0.001 %) within the general population but has a benign computational verdict due to 7 benign predictions from DEOGEN2, EIGEN, FATHMM-MKL, MVP, MutationAssessor, MutationTaster and PrimateAI vs. 3 pathogenic predictions from DANN, M-CAP and SIFT. The nucleotide and amino acid are weakly conserved. Thus, we consider this variant a rare benign polymorphism.